The following is an entry in ClinVar:

NM_024753.5(TTC21B):c.2046C>T (p.Ala682=)

Gene: TTC21B (tetratricopeptide repeat domain 21B; minus strand). Cytogenetic location: 2q24.3.
Variant type: single nucleotide variant.
Coding change: c.2046C>T on transcript NM_024753.5 (MANE Select); coding-DNA position 2046, C replaced by T.
Protein change: p.Ala682=; no amino-acid change (alanine 682 retained).
Molecular consequence: synonymous variant.
Genome position (GRCh38, 1-based): chr2:165,915,293, G>A on the plus strand (C>T on the coding strand, the complement: TTC21B is on the minus strand). VCF-style: chr2-165915293-G-A. GRCh37 (hg19) VCF-style: chr2-166771803-G-A.
Identifiers: ClinVar variation 699605 (VCV000699605.10), dbSNP rs766532748, ClinGen allele CA1941949.
Genomic context (GRCh38, chr2:165,915,293, plus strand): 5'-TCTGTGCTTCAGATAAATATCTGCCATTTTTTCTCTGGCCTCTATAAAATAAGGCTGTTC[G>A]GCTGTAACATTCTGAAGGATGCTTAAAGCCCGTTCAATATCTCCTTGGGCTAGAGCAAGG-3'
Protein context (NP_079029.3, residues 672-692): RALSILQNVT[Ala682=]EQPYFIEARE

ClinVar aggregate classification (germline): Likely benign. Review status: criteria provided, multiple submitters, no conflicts (2 of 4 stars). 2 submissions from 2 submitters: Likely benign (2). Last evaluated 2025-03-06.

Conditions:
Nephronophthisis. Also called: Juvenile Nephronophthisis. Identifiers: Orphanet 655, MedGen C0687120, MONDO:0019005, HP:0000090.
Jeune thoracic dystrophy. Also called: Jeune syndrome; Infantile thoracic dystrophy; Thoracic pelvic phalangeal dystrophy; Jeune's syndrome; Chondroectodermal dysplasia-like syndrome; Short-rib thoracic dysplasia. Identifiers: Orphanet 474, MedGen C0265275, MONDO:0018770.
TTC21B-related disorder. Also called: TTC21B-related condition; TTC21B-related disorders.

Allele frequency attached by ClinVar (database versions not stated): gnomAD exomes 0.00001; ExAC 0.00002; TOPMed 0.00003; gnomAD 0.00001.
gnomAD v4.1: 16 of 1,613,778 alleles (0.00099%); highest among the groups gnomAD compares: African/African-American, 0.0027%; no homozygotes.

Submissions (2):

PreventionGenetics, part of Exact Sciences
Classification: Likely benign for TTC21B-related condition. Last evaluated: 2025-03-06. Review status: criteria provided, single submitter. Criteria: ACMG Guidelines, 2015. Collection method: clinical testing. Allele origin: germline.
Comment: This variant is classified as likely benign based on ACMG/AMP sequence variant interpretation guidelines (Richards et al. 2015 PMID: 25741868, with internal and published modifications).

Labcorp Genetics (formerly Invitae), Labcorp
Classification: Likely benign for Jeune thoracic dystrophy; Nephronophthisis. Last evaluated: 2024-02-20. Review status: criteria provided, single submitter. Criteria: Invitae Variant Classification Sherloc (09022015). Collection method: clinical testing. Allele origin: germline.